The following is an entry in ClinVar:

ClinVar aggregate classification (germline): Uncertain significance. Review status: criteria provided, multiple submitters, no conflicts (2 of 4 stars). 2 submissions from 2 submitters: Uncertain significance (2). Last evaluated 2023-10-29.

Conditions:
Inborn genetic diseases. Identifiers: MedGen C0950123, MeSH D030342.
Myopathy, proximal, and ophthalmoplegia (CMYO6). Also called: INCLUSION BODY MYOPATHY 3, AUTOSOMAL DOMINANT; MYOPATHY WITH CONGENITAL JOINT CONTRACTURES, OPHTHALMOPLEGIA, AND RIMMED VACUOLES; CONGENITAL MYOPATHY 6 WITH OPHTHALMOPLEGIA. Identifiers: Orphanet 363677, Orphanet 79091, MedGen C1854106, MONDO:0011577, OMIM 605637.

Allele frequency attached by ClinVar (database versions not stated): gnomAD exomes 0.00002; TOPMed 0.00002; gnomAD 0.00001.
gnomAD v4.1: 32 of 1,614,054 alleles (0.002%); highest among the groups gnomAD compares: African/African-American, 0.0067%; no homozygotes.

Submissions (2):

Labcorp Genetics (formerly Invitae), Labcorp
Classification: Uncertain significance for Myopathy, proximal, and ophthalmoplegia. Last evaluated: 2023-10-29. Review status: criteria provided, single submitter. Criteria: Invitae Variant Classification Sherloc (09022015). Collection method: clinical testing. Allele origin: germline.
Comment: This sequence change replaces arginine, which is basic and polar, with cysteine, which is neutral and slightly polar, at codon 1802 of the MYH2 protein (p.Arg1802Cys). This variant is present in population databases (rs746710734, gnomAD 0.01%). This variant has not been reported in the literature in individuals affected with MYH2-related conditions. ClinVar contains an entry for this variant (Variation ID: 655364). Advanced modeling of protein sequence and biophysical properties (such as structural, functional, and spatial information, amino acid conservation, physicochemical variation, residue mobility, and thermodynamic stability) performed at Invitae indicates that this missense variant is expected to disrupt MYH2 protein function with a positive predictive value of 80%. In summary, the available evidence is currently insufficient to determine the role of this variant in disease. Therefore, it has been classified as a Variant of Uncertain Significance.

Ambry Genetics
Classification: Uncertain significance for Inborn genetic diseases. Last evaluated: 2022-12-27. Review status: criteria provided, single submitter. Criteria: Ambry Variant Classification Scheme 2023. Collection method: clinical testing. Allele origin: germline.

NM_017534.6(MYH2):c.5404C>T (p.Arg1802Cys)

Genes: MYH2 (myosin heavy chain 2; minus strand), MYHAS (myosin heavy chain gene cluster antisense RNA; plus strand). Cytogenetic location: 17p13.1.
Variant type: single nucleotide variant.
Coding change: c.5404C>T on transcript NM_017534.6 (MANE Select); coding-DNA position 5404, C replaced by T.
Protein change: p.Arg1802Cys; replaces arginine 1802 with cysteine.
Molecular consequence: missense variant.
Genome position (GRCh38, 1-based): chr17:10,523,564, G>A on the plus strand (C>T on the coding strand, the complement: MYH2 is on the minus strand). VCF-style: chr17-10523564-G-A. GRCh37 (hg19) VCF-style: chr17-10426881-G-A.
Other names: c.5404C>T, p.Arg1802Cys (NM_001100112.2); short protein forms R1802C.
Identifiers: ClinVar variation 655364 (VCV000655364.7), dbSNP rs746710734, ClinGen allele CA287734842.